The following is an entry in ClinVar:

NM_001429.4(EP300):c.5597C>A (p.Pro1866Gln)

Gene: EP300 (E1A binding protein p300; plus strand). Cytogenetic location: 22q13.2.
Variant type: single nucleotide variant.
Coding change: c.5597C>A on transcript NM_001429.4 (MANE Select); coding-DNA position 5597, C replaced by A.
Protein change: p.Pro1866Gln; replaces proline 1866 with glutamine.
Molecular consequence: missense variant.
Genome position (GRCh38, 1-based): chr22:41,177,308, C>A. VCF-style: chr22-41177308-C-A. GRCh37 (hg19) VCF-style: chr22-41573312-C-A.
Other names: c.5519C>A, p.Pro1840Gln (NM_001362843.2); short protein forms P1840Q, P1866Q.
Identifiers: ClinVar variation 1704791 (VCV001704791.2), dbSNP rs763290593, ClinGen allele CA411709322.
Genomic context (GRCh38, chr22:41,177,308, plus strand): 5'-GCCTCCCTTCCCCCACTCCTGCCACTCCAACGACACCAACTGGCCAACAGCCAACCACCC[C>A]GCAGACGCCCCAGCCCACTTCTCAGCCTCAGCCTACCCCTCCCAATAGCATGCCACCCTA-3'
Protein context (NP_001420.2, residues 1856-1876): TTPTGQQPTT[Pro1866Gln]QTPQPTSQPQ

ClinVar aggregate classification (germline): Uncertain significance (1 of 4 stars; one submission).

gnomAD v4.1: 1 of 1,614,074 alleles (0.000062%); highest among the groups gnomAD compares: Non-Finnish European, 0.000085%; no homozygotes.

Submission:

GeneDx
Classification: Uncertain significance. Last evaluated: 2022-03-07. Review status: criteria provided, single submitter. Criteria: GeneDx Variant Classification Process June 2021. Collection method: clinical testing. Allele origin: germline. Affected: yes.
Comment: Not observed at significant frequency in large population cohorts (gnomAD); In silico analysis supports that this missense variant has a deleterious effect on protein structure/function; Has not been previously published as pathogenic or benign to our knowledge